The following is an entry in ClinVar:

ClinVar aggregate classification (germline): Uncertain significance (1 of 4 stars; one submission).

Submission:

Women's Health and Genetics/Laboratory Corporation of America, LabCorp
Classification: Uncertain significance. Last evaluated: 2023-10-16. Review status: criteria provided, single submitter. Criteria: LabCorp Variant Classification Summary - May 2015. Collection method: clinical testing. Allele origin: germline.
Comment: Variant summary: The variant identified by MLPA or other technology involves the deletion of exons 1-5 (i.e. the full coding sequence) of the NDUFAF1 gene. A presumed nomenclature of c.(?_-435)_(*92_?)del has been designated for the purposes of this classification. Since exact breakpoints of this deletion are not known, it might extend beyond the assayed region of the NDUFAF1 gene, including other flanking genes. The variant was absent in 18434 control chromosomes (gnomAD, structural variants dataset). The available data on variant occurrences in the general population are insufficient to allow any conclusion about variant significance. To our knowledge, no occurrence of c.(?_-435)_(*92_?)del in individuals affected with Mitochondrial Complex 1 Deficiency, Nuclear Type 11 and no experimental evidence demonstrating its impact on protein function have been reported. In addition, to our knowledge, no null variants have been reported in the literature in individuals affected with NDUFAF1-related disease phenotypes, therefore current evidence is not sufficient to establish whether loss-of-function variants in the gene cause disease. No submitters have cited clinical-significance assessments for this variant to ClinVar after 2014. Based on the evidence outlined above, the variant was classified as uncertain significance.

NC_000015.9:g.(?_41679550)_(41694695_?)del

Gene: NDUFAF1 (NADH:ubiquinone oxidoreductase complex assembly factor 1; minus strand). Cytogenetic location: 15q15.1.
Variant type: Deletion.
Identifiers: ClinVar variation 2637758 (VCV002637758.1).